The following is an entry in ClinVar:

NM_000179.3(MSH6):c.458-133A>G

Gene: MSH6 (mutS homolog 6; plus strand). Cytogenetic location: 2p16.3.
Variant type: single nucleotide variant.
Coding change: c.458-133A>G on transcript NM_000179.3 (MANE Select); 133 bases into the intron before coding-DNA position 458, A replaced by G.
Molecular consequence: intron variant.
Genome position (GRCh38, 1-based): chr2:47,795,761, A>G. VCF-style: chr2-47795761-A-G. GRCh37 (hg19) VCF-style: chr2-48022900-A-G.
Other names: c.-279-2850A>G (NM_001281493.2); c.238-2850A>G (NM_001281492.2); c.-445-133A>G (NM_001281494.2).
Identifiers: ClinVar variation 676475 (VCV000676475.2), dbSNP rs3136316, ClinGen allele CA11066685.

ClinVar aggregate classification (germline): Benign. Review status: criteria provided, multiple submitters, no conflicts (2 of 4 stars). 2 submissions from 2 submitters: Benign (2). Last evaluated 2018-06-20.

Allele frequency attached by ClinVar (database versions not stated): gnomAD exomes 0.76491; gnomAD 0.79975 and 0.79984; TOPMed 0.80884; 1000 Genomes Project 30x 0.84197; 1000 Genomes Project 0.84285.
gnomAD v4.1: 614,714 of 796,858 alleles (77%); highest among the groups gnomAD compares: African/African-American, 93%; 238,631 homozygotes.

Submissions (2):

GeneDx
Classification: Benign. Last evaluated: 2018-06-20. Review status: criteria provided, single submitter. Criteria: GeneDx Variant Classification (06012015). Collection method: clinical testing. Allele origin: germline. Affected: yes.
Comment: This variant is considered likely benign or benign based on one or more of the following criteria: it is a conservative change, it occurs at a poorly conserved position in the protein, it is predicted to be benign by multiple in silico algorithms, and/or has population frequency not consistent with disease.

Breakthrough Genomics
Classification: Benign. Review status: criteria provided, single submitter. Criteria: ACMG Guidelines, 2015. Collection method: not provided. Allele origin: germline. Inheritance: Autosomal recessive inheritance. Affected: yes.